The following is an entry in ClinVar:

ClinVar aggregate classification (germline): Uncertain significance. Review status: criteria provided, single submitter (1 of 4 stars). 2 submissions from 2 submitters: Uncertain significance (1). 1 of the submissions does not count toward it. Last evaluated 2022-06-10.

Conditions:
Inborn genetic diseases. Identifiers: MedGen C0950123, MeSH D030342.
Intellectual developmental disorder, autosomal recessive 18, with or without epilepsy. Also called: Intellectual disability, autosomal recessive 18. Identifiers: Orphanet 88616, MedGen C3280265, MONDO:0013651, OMIM 614249.

Allele frequency attached by ClinVar (database versions not stated): gnomAD exomes below 0.00001.
gnomAD v4.1: 2 of 1,613,498 alleles (0.00012%); highest among the groups gnomAD compares: Non-Finnish European, 0.00017%; no homozygotes.

Submissions (2):

Ambry Genetics
Classification: Uncertain significance for Inborn genetic diseases. Last evaluated: 2022-06-10. Review status: criteria provided, single submitter. Criteria: Ambry Variant Classification Scheme 2023. Collection method: clinical testing. Allele origin: germline.
Comment: The c.539C>A (p.A180D) alteration is located in exon 7 (coding exon 7) of the MED23 gene. This alteration results from a C to A substitution at nucleotide position 539, causing the alanine (A) at amino acid position 180 to be replaced by an aspartic acid (D). This variant was not reported in population-based cohorts in the Genome Aggregation Database (gnomAD). This alteration was reported compound heterozygous in a patient with epilepsy, global developmental delay, intellectual disability, spasticity, cerebral palsy, dystonia, cortical visual impairment, microcephaly, feeding issues, and a normal MRI (Demos, 2019). This amino acid position is highly conserved in available vertebrate species. This alteration is predicted to be deleterious by in silico analysis. Based on insufficient or conflicting evidence, the clinical significance of this alteration remains unclear.

OMIM
Classification: Pathogenic for INTELLECTUAL DEVELOPMENTAL DISORDER, AUTOSOMAL RECESSIVE 18, WITH EPILEPSY. Last evaluated: 2021-12-08. Review status: no assertion criteria provided. Collection method: literature only. Allele origin: germline. Not counted in ClinVar's aggregate classification.

Literature cited by the submitters: PubMed 31164858 (cited by Ambry Genetics and OMIM).

NM_004830.4(MED23):c.539C>A (p.Ala180Asp)

Gene: MED23 (mediator complex subunit 23; minus strand). Cytogenetic location: 6q23.2.
Variant type: single nucleotide variant.
Coding change: c.539C>A on transcript NM_004830.4 (MANE Select); coding-DNA position 539, C replaced by A.
Protein change: p.Ala180Asp; replaces alanine 180 with aspartic acid.
Molecular consequence: missense variant.
Genome position (GRCh38, 1-based): chr6:131,620,686, G>T on the plus strand (C>A on the coding strand, the complement: MED23 is on the minus strand). VCF-style: chr6-131620686-G-T. GRCh37 (hg19) VCF-style: chr6-131941826-G-T.
Other names: c.539C>A (NM_015979.2); c.539C>A, p.Ala180Asp (NM_001270521.2, NM_001270522.2, NM_001376517.1 and 7 more transcripts); c.467C>A, p.Ala156Asp (NM_001376518.1); short protein forms A180D, A156D.
Identifiers: ClinVar variation 1327490 (VCV001327490.4), dbSNP rs2114756866, ClinGen allele CA365646770.